The following continues an entry in ClinVar:

NM_000303.3(PMM2):c.691G>A (p.Val231Met)

Gene: PMM2. ClinVar aggregate classification (germline): Pathogenic/Likely pathogenic. Pathogenic (18); Likely pathogenic (1).

Submissions 13 to 23 of 23:

Centre for Inherited Metabolic Diseases, Karolinska University Hospital
Classification: Pathogenic for PMM2-congenital disorder of glycosylation. Last evaluated: 2020-04-02. Review status: criteria provided, single submitter. Criteria: ACMG Guidelines, 2015. Collection method: clinical testing. Allele origin: germline. Inheritance: Autosomal recessive inheritance. Affected: yes. Observed: 1 variant allele.

Myriad Genetics, Inc.
Classification: Pathogenic for PMM2-congenital disorder of glycosylation. Last evaluated: 2019-12-20. Review status: criteria provided, single submitter. Criteria: Myriad Women's Health Autosomal Recessive and X-Linked Classification Criteria (2019). Collection method: clinical testing. Allele origin: unknown.
Comment: NM_000303.2(PMM2):c.691G>A(V231M) is classified as pathogenic in the context of congenital disorder of glycosylation type Ia. Sources cited for classification include the following: PMID 11156536, 15844218 and 10386614. Classification of NM_000303.2(PMM2):c.691G>A(V231M) is based on the following criteria: This is a well-established pathogenic variant in the literature that has been observed more frequently in patients with clinical diagnoses than in healthy populations. Please note: this variant was assessed in the context of healthy population screening.

CeGaT Center for Human Genetics Tuebingen
Classification: Pathogenic. Last evaluated: 2019-12-01. Review status: criteria provided, single submitter. Criteria: CeGaT Center For Human Genetics Tuebingen Variant Classification Criteria Version 2. Collection method: clinical testing. Allele origin: germline. Affected: yes. Observed: 3 variant alleles.

Broad Center for Mendelian Genomics, Broad Institute of MIT and Harvard
Classification: Pathogenic for PMM2-congenital disorder of glycosylation. Last evaluated: 2018-11-15. Review status: criteria provided, single submitter. Criteria: ACMG Guidelines, 2015. Collection method: research. Allele origin: germline. Inheritance: Autosomal recessive inheritance. Affected: yes. Clinical features observed: Abnormality of brain morphology.
Comment: The homozygous p.Val231Met variant in PMM2 was identified by our study in two siblings with Congenital Disorder of Glycosylation. The p.Val231Met variant is pathogenic based off of multiple reports in ClinVar and the literature.

Women's Health and Genetics/Laboratory Corporation of America, LabCorp
Classification: Pathogenic for PMM2-congenital disorder of glycosylation. Last evaluated: 2017-08-21. Review status: criteria provided, single submitter. Criteria: LabCorp Variant Classification Summary - May 2015. Collection method: clinical testing. Allele origin: germline.
Comment: Variant summary: The PMM2 c.691G>A (p.Val231Met) variant involves the alteration of a conserved nucleotide. 3/4 in silico tools predict a damaging outcome for this variant (SNPsandGO not captured due to low reliability index). This variant was found in 7/120856 control chromosomes at a frequency of 0.0000579, which does not exceed the estimated maximal expected allele frequency of a pathogenic PMM2 variant (0.0055902). This variant has been reported in many pts/families with evidence of co-segregation of the variant with disease. In addition, multiple clinical diagnostic laboratories/reputable databases classified this variant as pathogenic. Taken together, this variant is classified as pathogenic.

Eurofins Ntd Llc (ga)
Classification: Pathogenic. Last evaluated: 2017-06-12. Review status: criteria provided, single submitter. Criteria: EGL Classification Definitions. Collection method: clinical testing. Allele origin: germline. Observed: 12 variant alleles, 11 heterozygotes, 1 homozygote.

Pediatric Metabolic Diseases, Hacettepe University
Classification: Pathogenic for PMM2-congenital disorder of glycosylation. Review status: criteria provided, single submitter. Criteria: International clinical guidelines for PMM2-CDG, 2019. Collection method: clinical testing. Allele origin: germline. Affected: yes.

OMIM
Classification: Pathogenic for CONGENITAL DISORDER OF GLYCOSYLATION, TYPE Ia. Last evaluated: 2000-08-01. Review status: no assertion criteria provided. Collection method: literature only. Allele origin: germline. Not counted in ClinVar's aggregate classification.

Diagnostic Laboratory, Department of Genetics, University Medical Center Groningen
Classification: Pathogenic. Review status: no assertion criteria provided. Collection method: clinical testing. Allele origin: germline. Affected: yes. Study: VKGL Data-share Consensus. Not counted in ClinVar's aggregate classification.

GeneReviews
No classification provided. Condition: PMM2-congenital disorder of glycosylation. Review status: no classification provided. Collection method: literature only. Allele origin: unknown. Not counted in ClinVar's aggregate classification.

Joint Genome Diagnostic Labs from Nijmegen and Maastricht, Radboudumc and MUMC+
Classification: Pathogenic. Review status: no assertion criteria provided. Collection method: clinical testing. Allele origin: germline. Affected: yes. Study: VKGL Data-share Consensus. Not counted in ClinVar's aggregate classification.

Literature cited by the submitters: PubMed 9497260 (cited by Labcorp Genetics (formerly Invitae), Labcorp); PubMed 10801058 (cited by 3 submitters); PubMed 15844218 (cited by Labcorp Genetics (formerly Invitae), Labcorp and Myriad Genetics, Inc.); PubMed 23430838 (cited by Labcorp Genetics (formerly Invitae), Labcorp); PubMed 25355454 (cited by Labcorp Genetics (formerly Invitae), Labcorp); PubMed 10386614 (cited by Labcorp Genetics (formerly Invitae), Labcorp and Myriad Genetics, Inc.); PubMed 15714316 (cited by Variantyx, Inc. and GeneReviews); PubMed 19168813 (cited by Variantyx, Inc.); PubMed 28425223 (cited by Variantyx, Inc. and Victorian Clinical Genetics Services, Murdoch Childrens Research Institute); PubMed 31981409 (cited by Variantyx, Inc.); PubMed 33133147 (cited by Variantyx, Inc.); PubMed 33413482 (cited by Variantyx, Inc.); PubMed 33643843 (cited by Variantyx, Inc.); PubMed 38917675 (cited by Variantyx, Inc.); PubMed 35789514 (cited by Variantyx, Inc.); PubMed 30397276 (cited by Victorian Clinical Genetics Services, Murdoch Childrens Research Institute); PubMed 11156536 (cited by Myriad Genetics, Inc.); PubMed 27415628 (cited by Women's Health and Genetics/Laboratory Corporation of America, LabCorp); PubMed 9140401 (cited by Women's Health and Genetics/Laboratory Corporation of America, LabCorp); PubMed 10922383 (cited by OMIM and GeneReviews); PubMed 11134235 (cited by GeneReviews); PubMed 20301289 (cited by GeneReviews); NCBI Bookshelf NBK1110 (cited by GeneReviews).